The following is an entry in ClinVar:

ClinVar aggregate classification (germline): Uncertain significance. Review status: criteria provided, multiple submitters, no conflicts (2 of 4 stars). 3 submissions from 3 submitters: Uncertain significance (2). 1 of the submissions does not count toward it. Last evaluated 2025-10-12.

Conditions:
Hereditary cancer-predisposing syndrome. Also called: Tumor predisposition; Hereditary Cancer Syndrome; Neoplastic Syndromes, Hereditary; Hereditary neoplastic syndrome. Identifiers: Orphanet 140162, MedGen C0027672, MeSH D009386, MONDO:0015356.
Ataxia-telangiectasia syndrome (AT). Also called: LOUIS-BAR SYNDROME; Ataxia telangiectasia (A-T); Ataxia-telangiectasia, complementation group D; Cerebello-oculocutaneous telangiectasia; Immunodeficiency with ataxia telangiectasia; Ataxia-telangiectasia. Identifiers: Orphanet 100, MedGen C0004135, MONDO:0008840, OMIM 208900.

Allele frequency attached by ClinVar (database versions not stated): gnomAD exomes below 0.00001.
gnomAD v4.1: 1 of 1,614,056 alleles (0.000062%); highest among the groups gnomAD compares: South Asian, 0.0011%; no homozygotes.

Submissions (3):

Color Diagnostics, LLC DBA Color Health
Classification: Uncertain significance for Hereditary cancer-predisposing syndrome. Last evaluated: 2025-10-12. Review status: criteria provided, single submitter. Criteria: ACMG Guidelines, 2015. Collection method: clinical testing. Allele origin: germline.
Comment: This missense variant replaces histidine with aspartic acid at codon 1082 of the ATM protein. Computational prediction suggests that this variant may not impact protein structure and function. To our knowledge, functional studies have not been reported for this variant. This variant has not been reported in individuals affected with ATM-related disorders in the literature. This variant has been identified in 1/1461770 chromosomes in the general population by the Genome Aggregation Database (gnomAD). The available evidence is insufficient to determine the role of this variant in disease conclusively. Therefore, this variant is classified as a Variant of Uncertain Significance.

Labcorp Genetics (formerly Invitae), Labcorp
Classification: Uncertain significance for Ataxia-telangiectasia syndrome. Last evaluated: 2023-04-28. Review status: criteria provided, single submitter. Criteria: Invitae Variant Classification Sherloc (09022015). Collection method: clinical testing. Allele origin: germline.
Comment: This variant is not present in population databases (gnomAD no frequency). In summary, the available evidence is currently insufficient to determine the role of this variant in disease. Therefore, it has been classified as a Variant of Uncertain Significance. Algorithms developed to predict the effect of missense changes on protein structure and function output the following: SIFT: "Not Available"; PolyPhen-2: "Benign"; Align-GVGD: "Not Available". The aspartic acid amino acid residue is found in multiple mammalian species, which suggests that this missense change does not adversely affect protein function. ClinVar contains an entry for this variant (Variation ID: 864035). This variant has not been reported in the literature in individuals affected with ATM-related conditions. This sequence change replaces histidine, which is basic and polar, with aspartic acid, which is acidic and polar, at codon 1082 of the ATM protein (p.His1082Asp).

Natera, Inc.
Classification: Uncertain significance for Ataxia-telangiectasia. Last evaluated: 2020-10-23. Review status: no assertion criteria provided. Collection method: clinical testing. Allele origin: germline. Not counted in ClinVar's aggregate classification.

NM_000051.4(ATM):c.3244C>G (p.His1082Asp)

Gene: ATM (ATM serine/threonine kinase; plus strand). Cytogenetic location: 11q22.3.
Variant type: single nucleotide variant.
Coding change: c.3244C>G on transcript NM_000051.4 (MANE Select); coding-DNA position 3244, C replaced by G.
Protein change: p.His1082Asp; replaces histidine 1082 with aspartic acid.
Molecular consequence: missense variant.
Genome position (GRCh38, 1-based): chr11:108,272,812, C>G. VCF-style: chr11-108272812-C-G. GRCh37 (hg19) VCF-style: chr11-108143539-C-G.
Other names: c.3244C>G, p.His1082Asp (NM_001351834.2); short protein forms H1082D.
Identifiers: ClinVar variation 864035 (VCV000864035.13), dbSNP rs1302626569, ClinGen allele CA382516011.